The following is an entry in ClinVar:

ClinVar aggregate classification (germline): Likely pathogenic (1 of 4 stars; one submission).

Conditions:
Developmental and epileptic encephalopathy, 14 (DEE14). Also called: Early infantile epileptic encephalopathy 14. Identifiers: Orphanet 293181, MedGen C3554195, MONDO:0013989, OMIM 614959.

Submission:

Neuberg Centre For Genomic Medicine, NCGM
Classification: Likely pathogenic for Developmental and epileptic encephalopathy, 14. Last evaluated: 2023-05-20. Review status: criteria provided, single submitter. Criteria: ACMG Guidelines, 2015. Collection method: clinical testing. Allele origin: germline. Inheritance: Autosomal dominant inheritance. Affected: yes.
Comment: The observed frameshift variant c.2125_2137dup(p.Val713GlufsTer27) in KCNT1 gene has not been reported previously as a pathogenic variant nor as a benign variant, to our knowledge. The c.2125_2137dup variant is absent in gnomAD Exomes. This variant causes a frameshift starting with codon Valine 713, changes this amino acid to Glutamic Acid residue, and creates a premature Stop codon at position 27 of the new reading frame, denoted p.Val713GlufsTer27.Three pathogenic null variants were reported in ClinVar for this gene across 2 different exons. This variant is predicted to cause loss of normal protein function through protein truncation. Loss of function variants have been previously reported to be disease causing. For these reasons, this variant has been classified as Likely Pathogenic.

NM_020822.3(KCNT1):c.2125_2137dup (p.Val713fs)

Gene: KCNT1 (potassium sodium-activated channel subfamily T member 1; plus strand). Cytogenetic location: 9q34.3.
Variant type: Duplication.
Coding change: c.2125_2137dup on transcript NM_020822.3 (MANE Select); coding-DNA positions 2125 to 2137, 13 bases duplicated (AGCATCGCGCCCG).
Protein change: p.Val713fs; shifts the reading frame from valine 713.
Molecular consequence: frameshift variant.
Genome position (GRCh38, 1-based): chr9:135,772,831-135,772,843, AGCATCGCGCCCG duplicated. VCF-style (leftmost placement, unchanged base first): chr9-135772830-C-CAGCATCGCGCCCG. GRCh37 (hg19) VCF-style: chr9-138664676-C-CAGCATCGCGCCCG.
Other names: c.1990_2002dup, p.Val668fs (NM_001272003.2); short protein forms V668fs, V713fs.
Identifiers: ClinVar variation 3362361 (VCV003362361.3).